The following is an entry in ClinVar:

ClinVar aggregate classification (germline): Uncertain significance (1 of 4 stars; one submission).

Conditions:
Generalized epilepsy-paroxysmal dyskinesia syndrome (PNKD3). Also called: Generalized epilepsy and paroxysmal dyskinesia; Paroxysmal nonkinesigenic dyskinesia, 3, with or without generalized epilepsy. Identifiers: Orphanet 79137, MedGen C5574945, MONDO:0012276, OMIM 609446.

Allele frequency attached by ClinVar (database versions not stated): TOPMed 0.00006; 1000 Genomes Project 0.00020.
gnomAD v4.1: 25 of 1,614,008 alleles (0.0015%); highest among the groups gnomAD compares: African/African-American, 0.008%; no homozygotes.

Submission:

Labcorp Genetics (formerly Invitae), Labcorp
Classification: Uncertain significance for Generalized epilepsy-paroxysmal dyskinesia syndrome. Last evaluated: 2025-01-11. Review status: criteria provided, single submitter. Criteria: Invitae Variant Classification Sherloc (09022015). Collection method: clinical testing. Allele origin: germline.
Comment: This sequence change replaces alanine, which is neutral and non-polar, with threonine, which is neutral and polar, at codon 154 of the KCNMA1 protein (p.Ala154Thr). This variant is present in population databases (rs142858967, gnomAD 0.008%). This variant has not been reported in the literature in individuals affected with KCNMA1-related conditions. ClinVar contains an entry for this variant (Variation ID: 569859). Invitae Evidence Modeling of protein sequence and biophysical properties (such as structural, functional, and spatial information, amino acid conservation, physicochemical variation, residue mobility, and thermodynamic stability) indicates that this missense variant is not expected to disrupt KCNMA1 protein function with a negative predictive value of 80%. In summary, the available evidence is currently insufficient to determine the role of this variant in disease. Therefore, it has been classified as a Variant of Uncertain Significance.

NM_001161352.2(KCNMA1):c.460G>A (p.Ala154Thr)

Gene: KCNMA1 (potassium calcium-activated channel subfamily M alpha 1; minus strand). Cytogenetic location: 10q22.3.
Variant type: single nucleotide variant.
Coding change: c.460G>A on transcript NM_001161352.2 (MANE Select); coding-DNA position 460, G replaced by A.
Protein change: p.Ala154Thr; replaces alanine 154 with threonine.
Molecular consequence: missense variant. On other transcripts: intron variant (1).
Genome position (GRCh38, 1-based): chr10:77,403,942, C>T on the plus strand (G>A on the coding strand, the complement: KCNMA1 is on the minus strand). VCF-style: chr10-77403942-C-T. GRCh37 (hg19) VCF-style: chr10-79163700-C-T.
Other names: c.460G>A, p.Ala154Thr (NM_001014797.3, NM_001161353.2, NM_001271519.2 and 7 more transcripts); c.379-152686G>A (NM_001271518.2); short protein forms A154T.
Identifiers: ClinVar variation 569859 (VCV000569859.11), dbSNP rs142858967, ClinGen allele CA210133335.